The following is an entry in ClinVar:

ClinVar aggregate classification (germline): Uncertain significance (1 of 4 stars; one submission).

Conditions:
Gastrointestinal stromal tumor. Also called: Gastrointestinal stromal tumor, somatic; Gastrointestinal stroma tumor. Identifiers: Orphanet 44890, MedGen C0238198, MeSH D046152, MONDO:0011719, OMIM 606764, HP:0100723.

Submission:

Labcorp Genetics (formerly Invitae), Labcorp
Classification: Uncertain significance for Gastrointestinal stromal tumor. Last evaluated: 2026-01-26. Review status: criteria provided, single submitter. Criteria: Invitae Variant Classification Sherloc (09022015). Collection method: clinical testing. Allele origin: germline.
Comment: This sequence change replaces tyrosine, which is neutral and polar, with aspartic acid, which is acidic and polar, at codon 98 of the PDGFRA protein (p.Tyr98Asp). This variant is not present in population databases (gnomAD no frequency). This variant has not been reported in the literature in individuals affected with PDGFRA-related conditions. Invitae Evidence Modeling of protein sequence and biophysical properties (such as structural, functional, and spatial information, amino acid conservation, physicochemical variation, residue mobility, and thermodynamic stability) has been performed for this missense variant. However, the output from this modeling did not meet the statistical confidence thresholds required to predict the impact of this variant on PDGFRA protein function. In summary, the available evidence is currently insufficient to determine the role of this variant in disease. Therefore, it has been classified as a Variant of Uncertain Significance.

NM_006206.6(PDGFRA):c.292T>G (p.Tyr98Asp)

Gene: PDGFRA (platelet derived growth factor receptor alpha; plus strand). Cytogenetic location: 4q12.
Variant type: single nucleotide variant.
Coding change: c.292T>G on transcript NM_006206.6 (MANE Select); coding-DNA position 292, T replaced by G.
Protein change: p.Tyr98Asp; replaces tyrosine 98 with aspartic acid.
Molecular consequence: missense variant.
Genome position (GRCh38, 1-based): chr4:54,261,337, T>G. VCF-style: chr4-54261337-T-G. GRCh37 (hg19) VCF-style: chr4-55127504-T-G.
Other names: c.331T>G, p.Tyr111Asp (NM_001347830.2); c.292T>G, p.Tyr98Asp (NM_001347827.2, NM_001347829.2); c.367T>G, p.Tyr123Asp (NM_001347828.2); short protein forms Y111D, Y123D, Y98D.
Identifiers: ClinVar variation 4744612 (VCV004744612.1).